The following is an entry in ClinVar:

NM_001292034.3(TAB2):c.1433_1448del (p.Pro478fs)

Genes: TAB2 (TGF-beta activated kinase 1 (MAP3K7) binding protein 2; plus strand), LOC126859827 (BRD4-independent group 4 enhancer GRCh37_chr6:149699707-149700906; plus strand). Cytogenetic location: 6q25.1.
Variant type: Deletion.
Coding change: c.1433_1448del on transcript NM_001292034.3 (MANE Select); coding-DNA positions 1433 to 1448, 16 bases deleted (CAGGGGTGGTGTCCCC).
Protein change: p.Pro478fs; shifts the reading frame from proline 478.
Molecular consequence: frameshift variant.
Genome position (GRCh38, 1-based): chr6:149,379,348-149,379,363, CAGGGGTGGTGTCCCC deleted; deleting any 16 consecutive bases within chr6:149,379,347-149,379,363 gives the same sequence; the c. name uses the placement nearest the transcript's 3' end. VCF-style (leftmost placement, unchanged base first): chr6-149379346-ACCAGGGGTGGTGTCCC-A. GRCh37 (hg19) VCF-style: chr6-149700482-ACCAGGGGTGGTGTCCC-A.
Other names: c.1337_1352del, p.Pro446fs (NM_001292035.3); c.1433_1448del, p.Pro478fs (NM_001369506.1, NM_015093.6); short protein forms P446fs, P478fs.
Identifiers: ClinVar variation 2431471 (VCV002431471.1), dbSNP rs2483397256, ClinGen allele CA2580075187.

ClinVar aggregate classification (germline): Likely pathogenic (1 of 4 stars; one submission).

Conditions:
Congenital heart defects, multiple types, 2 (CHTD2). Also called: Congenital heart defects, nonsyndromic, 2. Identifiers: Orphanet 664401, MedGen C3554279, MONDO:0014000, OMIM 614980.

Submission:

Laboratorio de Genetica e Diagnostico Molecular, Hospital Israelita Albert Einstein
Classification: Likely pathogenic for Congenital heart defects, multiple types, 2. Last evaluated: 2022-07-12. Review status: criteria provided, single submitter. Criteria: ACMG Guidelines, 2015. Collection method: clinical testing. Allele origin: germline. Affected: yes. Observed: 1 variant allele.
Comment: ACMG classification criteria: PVS1 very strong, PM2 moderated